The following is an entry in ClinVar:

NM_018706.7(DHTKD1):c.2650G>C (p.Ala884Pro)

Gene: DHTKD1 (dehydrogenase E1 and transketolase domain containing 1; plus strand). Cytogenetic location: 10p14.
Variant type: single nucleotide variant.
Coding change: c.2650G>C on transcript NM_018706.7 (MANE Select); coding-DNA position 2650, G replaced by C.
Protein change: p.Ala884Pro; replaces alanine 884 with proline.
Molecular consequence: missense variant.
Genome position (GRCh38, 1-based): chr10:12,120,259, G>C. VCF-style: chr10-12120259-G-C. GRCh37 (hg19) VCF-style: chr10-12162258-G-C.
Other names: short protein forms A884P.
Identifiers: ClinVar variation 1524359 (VCV001524359.16), dbSNP rs749888809, ClinGen allele CA376017165.

ClinVar aggregate classification (germline): Uncertain significance. Review status: criteria provided, multiple submitters, no conflicts (2 of 4 stars). 2 submissions from 2 submitters: Uncertain significance (2). Last evaluated 2025-12-24.

Conditions:
2-aminoadipic 2-oxoadipic aciduria (AAKAD). Also called: Aminoadipic aciduria; ALPHA-AMINOADIPIC AND ALPHA-KETOADIPIC ACIDURIA. Identifiers: Orphanet 79154, MedGen C1859817, MONDO:0008774, OMIM 204750.

Submissions (2):

Labcorp Genetics (formerly Invitae), Labcorp
Classification: Uncertain significance for 2-aminoadipic 2-oxoadipic aciduria. Last evaluated: 2025-12-24. Review status: criteria provided, single submitter. Criteria: Invitae Variant Classification Sherloc (09022015). Collection method: clinical testing. Allele origin: germline.
Comment: This sequence change replaces alanine, which is neutral and non-polar, with proline, which is neutral and non-polar, at codon 884 of the DHTKD1 protein (p.Ala884Pro). This variant is present in population databases (no rsID available, gnomAD 0.0009%). This variant has not been reported in the literature in individuals affected with DHTKD1-related conditions. ClinVar contains an entry for this variant (Variation ID: 1524359). Invitae Evidence Modeling of protein sequence and biophysical properties (such as structural, functional, and spatial information, amino acid conservation, physicochemical variation, residue mobility, and thermodynamic stability) indicates that this missense variant is not expected to disrupt DHTKD1 protein function with a negative predictive value of 80%. In summary, the available evidence is currently insufficient to determine the role of this variant in disease. Therefore, it has been classified as a Variant of Uncertain Significance.

CeGaT Center for Human Genetics Tuebingen
Classification: Uncertain significance. Last evaluated: 2025-07-01. Review status: criteria provided, single submitter. Criteria: CeGaT Center For Human Genetics Tuebingen Variant Classification Criteria Version 2. Collection method: clinical testing. Allele origin: germline. Affected: yes. Observed: 1 variant allele.
Comment: DHTKD1: PM2, BP4